The following is an entry in ClinVar:

NM_003742.4(ABCB11):c.1636C>T (p.Gln546Ter)

Gene: ABCB11 (ATP binding cassette subfamily B member 11; minus strand). Cytogenetic location: 2q31.1.
Variant type: single nucleotide variant.
Coding change: c.1636C>T on transcript NM_003742.4 (MANE Select); coding-DNA position 1636, C replaced by T.
Protein change: p.Gln546Ter; replaces glutamine 546 with a stop codon.
Molecular consequence: nonsense.
Genome position (GRCh38, 1-based): chr2:168,971,849, G>A on the plus strand (C>T on the coding strand, the complement: ABCB11 is on the minus strand). VCF-style: chr2-168971849-G-A. GRCh37 (hg19) VCF-style: chr2-169828359-G-A.
Other names: short protein forms Q546*.
Identifiers: ClinVar variation 2676819 (VCV002676819.4), dbSNP rs111482608, ClinGen allele CA349115171.
Genomic context (GRCh38, chr2:168,971,849, plus strand): 5'-AACTTTTTTTCCTTCTATGACCTCTTAGTTTCTCCCAGGAATGTATGGCTAGGGGTACCT[G>A]TGGCAGGTCCATGATGAAGTTGTAGGCATTGGCCTCCTTGGCAGCTTGGACTATGTCTTC-3'

ClinVar aggregate classification (germline): Pathogenic/Likely pathogenic. Review status: criteria provided, multiple submitters, no conflicts (2 of 4 stars). 2 submissions from 2 submitters: Pathogenic (1); Likely pathogenic (1). Last evaluated 2023-10-19.

Conditions:
Benign recurrent intrahepatic cholestasis type 2 (BRIC2). Also called: Recurrent familial intrahepatic cholestasis 2. Identifiers: Orphanet 65682, Orphanet 99961, MedGen C2608083, MONDO:0011559, OMIM 605479.

Submissions (2):

Baylor Genetics
Classification: Likely pathogenic for Benign recurrent intrahepatic cholestasis type 2. Last evaluated: 2023-10-19. Review status: criteria provided, single submitter. Criteria: ACMG Guidelines, 2015. Collection method: clinical testing. Allele origin: unknown.

Labcorp Genetics (formerly Invitae), Labcorp
Classification: Pathogenic. Last evaluated: 2023-04-17. Review status: criteria provided, single submitter. Criteria: Invitae Variant Classification Sherloc (09022015). Collection method: clinical testing. Allele origin: germline.
Comment: This sequence change creates a premature translational stop signal (p.Gln546*) in the ABCB11 gene. It is expected to result in an absent or disrupted protein product. Loss-of-function variants in ABCB11 are known to be pathogenic (PMID: 18395098, 20232290). This variant is not present in population databases (gnomAD no frequency). This variant has not been reported in the literature in individuals affected with ABCB11-related conditions. For these reasons, this variant has been classified as Pathogenic.

Literature cited by the submitters: PubMed 18395098 (cited by Labcorp Genetics (formerly Invitae), Labcorp); PubMed 20232290 (cited by Labcorp Genetics (formerly Invitae), Labcorp).